The following is an entry in ClinVar:

NM_001365276.2(TNXB):c.4958G>C (p.Arg1653Pro)

Gene: TNXB (tenascin XB; minus strand). Cytogenetic location: 6p21.33.
Variant type: single nucleotide variant.
Coding change: c.4958G>C on transcript NM_001365276.2 (MANE Select); coding-DNA position 4958, G replaced by C.
Protein change: p.Arg1653Pro; replaces arginine 1653 with proline.
Molecular consequence: missense variant.
Genome position (GRCh38, 1-based): chr6:32,072,022, C>G on the plus strand (G>C on the coding strand, the complement: TNXB is on the minus strand). VCF-style: chr6-32072022-C-G. GRCh37 (hg19) VCF-style: chr6-32039799-C-G.
Other names: c.5699G>C, p.Arg1900Pro (NM_001428335.1); c.4958G>C, p.Arg1653Pro (NM_019105.8); short protein forms R1900P, R1653P.
Identifiers: ClinVar variation 4615127 (VCV004615127.1).
Genomic context (GRCh38, chr6:32,072,022, plus strand): 5'-GGCTCAGCTGTGTAGGGGCCCATCTCACCCGTCTTTGCCTCCACAGAGACTGGGCTGCGT[C>G]GTTTCCCATCCTGGATCCCAAAGAGCAGGAACTTGTACTTGCGGGAGGGTTCCAGGTCAG-3'
Protein context (NP_001352205.1, residues 1643-1663): FLLFGIQDGK[Arg1653Pro]RSPVSVEAKT

ClinVar aggregate classification (germline): Uncertain significance (1 of 4 stars; one submission).

Conditions:
Cardiovascular phenotype. Identifiers: MedGen CN230736.

gnomAD v4.1: 11 of 1,607,768 alleles (0.00068%); highest among the groups gnomAD compares: Middle Eastern, 0.033%; no homozygotes.

Submission:

Ambry Genetics
Classification: Uncertain significance for Cardiovascular phenotype. Last evaluated: 2025-11-10. Review status: criteria provided, single submitter. Criteria: Ambry Variant Classification Scheme 2023. Collection method: clinical testing. Allele origin: germline.
Comment: The p.R1653P variant (also known as c.4958G>C), located in coding exon 12 of the TNXB gene, results from a G to C substitution at nucleotide position 4958. The arginine at codon 1653 is replaced by proline, an amino acid with dissimilar properties. This amino acid position is conserved. In addition, this alteration is predicted to be tolerated by in silico analysis. Based on the available evidence, the clinical significance of this variant remains unclear.